The following is an entry in ClinVar:

ClinVar aggregate classification (germline): Uncertain significance (1 of 4 stars; one submission).

Submission:

GeneDx
Classification: Uncertain significance. Last evaluated: 2019-03-05. Review status: criteria provided, single submitter. Criteria: GeneDx Variant Classification Process June 2021. Collection method: clinical testing. Allele origin: germline. Affected: yes.
Comment: Not observed in large population cohorts (Lek et al., 2016); In silico analysis, which includes splice predictors and evolutionary conservation, supports a deleterious effect

NM_000252.3(MTM1):c.342+3A>T

Gene: MTM1 (myotubularin 1; plus strand). Cytogenetic location: Xq28.
Variant type: single nucleotide variant.
Coding change: c.342+3A>T on transcript NM_000252.3 (MANE Select); 3 bases into the intron after coding-DNA position 342, A replaced by T.
Molecular consequence: intron variant.
Genome position (GRCh38, 1-based): chrX:150,614,702, A>T. VCF-style: chrX-150614702-A-T. GRCh37 (hg19) VCF-style: chrX-149783175-A-T.
Other names: c.342+3A>T (NM_001376908.1, NM_001376906.1); c.232-4336A>T (NM_001376907.1).
Identifiers: ClinVar variation 1302221 (VCV001302221.2), dbSNP rs2148456143, ClinGen allele CA2573055131.